The following is an entry in ClinVar:

ClinVar aggregate classification (germline): Uncertain significance (1 of 4 stars; one submission).

Conditions:
Cardiovascular phenotype. Identifiers: MedGen CN230736.

Allele frequency attached by ClinVar (database versions not stated): gnomAD exomes 0.00001.
gnomAD v4.1: 12 of 1,614,140 alleles (0.00074%); highest among the groups gnomAD compares: Non-Finnish European, 0.001%; no homozygotes.

Submission:

Ambry Genetics
Classification: Uncertain significance for Cardiovascular phenotype. Last evaluated: 2024-01-23. Review status: criteria provided, single submitter. Criteria: Ambry Variant Classification Scheme 2023. Collection method: clinical testing. Allele origin: germline.
Comment: The p.N954Y variant (also known as c.2860A>T), located in coding exon 6 of the ALPK3 gene, results from an A to T substitution at nucleotide position 2860. The asparagine at codon 954 is replaced by tyrosine, an amino acid with dissimilar properties. This amino acid position is conserved. In addition, this alteration is predicted to be tolerated by in silico analysis. Based on the available evidence, the clinical significance of this alteration remains unclear.

NM_020778.5(ALPK3):c.2254A>T (p.Asn752Tyr)

Gene: ALPK3 (alpha kinase 3; plus strand). Cytogenetic location: 15q25.3.
Variant type: single nucleotide variant.
Coding change: c.2254A>T on transcript NM_020778.5 (MANE Select); coding-DNA position 2254, A replaced by T.
Protein change: p.Asn752Tyr; replaces asparagine 752 with tyrosine.
Molecular consequence: missense variant.
Genome position (GRCh38, 1-based): chr15:84,856,992, A>T. VCF-style: chr15-84856992-A-T. GRCh37 (hg19) VCF-style: chr15-85400223-A-T.
Other names: short protein forms N752Y.
Identifiers: ClinVar variation 3227461 (VCV003227461.1), dbSNP rs781301838, ClinGen allele CA273624122.